The following is an entry in ClinVar:

NM_000452.3(SLC10A2):c.886T>C (p.Phe296Leu)

Gene: SLC10A2 (solute carrier family 10 member 2; minus strand). Cytogenetic location: 13q33.1.
Variant type: single nucleotide variant.
Coding change: c.886T>C on transcript NM_000452.3 (MANE Select); coding-DNA position 886, T replaced by C.
Protein change: p.Phe296Leu; replaces phenylalanine 296 with leucine.
Molecular consequence: missense variant.
Genome position (GRCh38, 1-based): chr13:103,049,322, A>G on the plus strand (T>C on the coding strand, the complement: SLC10A2 is on the minus strand). VCF-style: chr13-103049322-A-G. GRCh37 (hg19) VCF-style: chr13-103701672-A-G.
Other names: p.Phe296Leu; short protein forms F296L.
Identifiers: ClinVar variation 782336 (VCV000782336.34), dbSNP rs71640248, ClinGen allele CA7042009.

ClinVar aggregate classification (germline): Benign/Likely benign. Review status: criteria provided, multiple submitters, no conflicts (2 of 4 stars). 4 submissions from 4 submitters: Benign (2); Likely benign (2). Last evaluated 2026-02-01.

Allele frequency attached by ClinVar (database versions not stated): 1000 Genomes Project 0.00100; 1000 Genomes Project 30x 0.00109; TOPMed 0.00393; ExAC 0.00429; gnomAD exomes 0.00464 and 0.00520; gnomAD 0.00513 and 0.00537; ESP Exome Variant Server 0.00531.
gnomAD v4.1: 8,316 of 1,613,940 alleles (0.52%); highest among the groups gnomAD compares: Non-Finnish European, 0.58%; 35 homozygotes.

Submissions (4):

Labcorp Genetics (formerly Invitae), Labcorp
Classification: Benign. Last evaluated: 2026-02-01. Review status: criteria provided, single submitter. Criteria: Invitae Variant Classification Sherloc (09022015). Collection method: clinical testing. Allele origin: germline.

Mayo Clinic Laboratories, Mayo Clinic
Classification: Likely benign. Last evaluated: 2025-08-08. Review status: criteria provided, single submitter. Criteria: ACMG Guidelines, 2015. Collection method: clinical testing. Allele origin: germline. Observed: 5 variant alleles.
Comment: BS2

CeGaT Center for Human Genetics Tuebingen
Classification: Likely benign. Last evaluated: 2023-03-01. Review status: criteria provided, single submitter. Criteria: CeGaT Center For Human Genetics Tuebingen Variant Classification Criteria Version 2. Collection method: clinical testing. Allele origin: germline. Affected: yes. Observed: 2 variant alleles.
Comment: SLC10A2: BS2

Breakthrough Genomics
Classification: Benign. Review status: criteria provided, single submitter. Criteria: ACMG Guidelines, 2015. Collection method: not provided. Allele origin: germline. Inheritance: Autosomal recessive inheritance. Affected: yes.